The following is an entry in ClinVar:

ClinVar aggregate classification (germline): Benign (1 of 4 stars; one submission).

Conditions:
Landau-Kleffner syndrome (FESD). Also called: EPILEPSY, FOCAL, WITH SPEECH DISORDER AND WITH OR WITHOUT MENTAL RETARDATION; APHASIA, ACQUIRED, WITH EPILEPSY. Identifiers: Orphanet 1945, Orphanet 725, Orphanet 98818, MedGen C0282512, MONDO:0009509, OMIM 245570.

Allele frequency attached by ClinVar (database versions not stated): gnomAD 0.00944 and 0.00898; TOPMed 0.00886; 1000 Genomes Project 30x 0.00640; 1000 Genomes Project 0.00679; gnomAD exomes 0.01149.
gnomAD v4.1: 2,264 of 222,252 alleles (1%); highest among the groups gnomAD compares: Middle Eastern, 2.3%; 25 homozygotes.

Submissions (2):

Illumina Laboratory Services, Illumina
Classification: Benign for Landau-Kleffner syndrome. Last evaluated: 2018-01-13. Review status: criteria provided, single submitter. Criteria: ICSL Variant Classification Criteria 13 December 2019. Collection method: clinical testing. Allele origin: germline.
Comment: This variant was observed in the ICSL laboratory as part of a predisposition screen in an ostensibly healthy population. It had not been previously curated by ICSL or reported in the Human Gene Mutation Database (HGMD: prior to June 1st, 2018), and was therefore a candidate for classification through an automated scoring system. Utilizing variant allele frequency, disease prevalence and penetrance estimates, and inheritance mode, an automated score was calculated to assess if this variant is too frequent to cause the disease. Based on the score and internal cut-off values, a variant classified as benign is not then subjected to further curation. The score for this variant resulted in a classification of benign for this disease.

Dr. Peter K. Rogan Lab, Western University
No classification provided (evidence only). Condition: Ovarian serous cystadenocarcinoma. Review status: no classification provided. Collection method: in vitro. Allele origin: not applicable. Functional consequence: retained intron. Not counted in ClinVar's aggregate classification.

NM_001134407.3(GRIN2A):c.*4919C>T

Gene: GRIN2A (glutamate ionotropic receptor NMDA type subunit 2A; minus strand). Cytogenetic location: 16p13.2.
Variant type: single nucleotide variant.
Coding change: c.*4919C>T on transcript NM_001134407.3 (MANE Select); 4919 bases downstream of the stop codon, C replaced by T.
Molecular consequence: 3 prime UTR variant.
Genome position (GRCh38, 1-based): chr16:9,758,230, G>A on the plus strand (C>T on the coding strand, the complement: GRIN2A is on the minus strand). VCF-style: chr16-9758230-G-A. GRCh37 (hg19) VCF-style: chr16-9852087-G-A.
Other names: NC_000016.9:g.9852087G>A; c.*4919C>T (NM_000833.5); c.*5125C>T (NM_001134408.2).
Identifiers: ClinVar variation 321539 (VCV000321539.6), dbSNP rs79849427, ClinGen allele CA10644748.